The following is an entry in ClinVar:

NM_001330078.2(NRXN1):c.322C>T (p.Pro108Ser)

Gene: NRXN1 (neurexin 1; minus strand). Cytogenetic location: 2p16.3.
Variant type: single nucleotide variant.
Coding change: c.322C>T on transcript NM_001330078.2 (MANE Select); coding-DNA position 322, C replaced by T.
Protein change: p.Pro108Ser; replaces proline 108 with serine.
Molecular consequence: missense variant.
Genome position (GRCh38, 1-based): chr2:51,027,952, G>A on the plus strand (C>T on the coding strand, the complement: NRXN1 is on the minus strand). VCF-style: chr2-51027952-G-A. GRCh37 (hg19) VCF-style: chr2-51255090-G-A.
Other names: p.P108S:CCG>TCG; c.322C>T, p.Pro108Ser (NM_001135659.3, NM_001330077.2, NM_001330079.2 and 15 more transcripts); short protein forms P108S.
Identifiers: ClinVar variation 93599 (VCV000093599.31), dbSNP rs199784029, ClinGen allele CA221541.
Genomic context (GRCh38, chr2:51,027,952, plus strand): 5'-GCGTGGTGTTGCGGAACTGGCGGCGGATGCGCACGCTGTGCCAGGCGCCGTCGTTAACCG[G>A]CGTGTCGGCCAGGAGCGTCGCAGGCTCAGCGCAGAAGATGGAGAAGCTGAGCTGCAGGCG-3'
Protein context (NP_001317007.1, residues 98-118): AEPATLLADT[Pro108Ser]VNDGAWHSVR

ClinVar aggregate classification (germline): Conflicting classifications of pathogenicity. Review status: criteria provided, conflicting classifications (1 of 4 stars). 9 submissions from 9 submitters: Uncertain significance (4); Likely benign (3). 2 of the submissions do not count toward it. Last evaluated 2026-01-19.

Conditions:
Inborn genetic diseases. Identifiers: MedGen C0950123, MeSH D030342.
Pitt-Hopkins-like syndrome 2 (PTHSL2). Identifiers: Orphanet 221150, Orphanet 600663, MedGen C3280479, MONDO:0013690, OMIM 614325.
Chromosome 2p16.3 deletion syndrome. Identifiers: MedGen C3808494, MONDO:0013696, OMIM 614332.
NRXN1-related disorder.
Intellectual disability. Also called: Intellectual functioning disability; Intellectual developmental disorder; intellectual disabilities. Identifiers: MedGen C3714756, MeSH D008607, MONDO:0001071, HP:0001249.

Allele frequency attached by ClinVar (database versions not stated): gnomAD 0.00131 and 0.00138; 1000 Genomes Project 0.00140; 1000 Genomes Project 30x 0.00109; ESP Exome Variant Server 0.00144; TOPMed 0.00162.
gnomAD v4.1: 725 of 1,603,282 alleles (0.045%); highest among the groups gnomAD compares: African/African-American, 0.38%; no homozygotes.

Submissions (9):

Labcorp Genetics (formerly Invitae), Labcorp
Classification: Likely benign for Pitt-Hopkins-like syndrome 2. Last evaluated: 2026-01-19. Review status: criteria provided, single submitter. Criteria: Invitae Variant Classification Sherloc (09022015). Collection method: clinical testing. Allele origin: germline.

Blueprint Genetics
Classification: Likely benign. Last evaluated: 2024-11-22. Review status: criteria provided, single submitter. Criteria: ACMG Guidelines, 2015. Collection method: clinical testing. Allele origin: germline.

GeneDx
Classification: Likely benign. Last evaluated: 2020-10-27. Review status: criteria provided, single submitter. Criteria: GeneDx Variant Classification Process June 2021. Collection method: clinical testing. Allele origin: germline. Affected: yes.

Ambry Genetics
Classification: Uncertain significance for Inborn genetic diseases. Last evaluated: 2018-07-25. Review status: criteria provided, single submitter. Criteria: Ambry Variant Classification Scheme 2023. Collection method: clinical testing. Allele origin: germline.
Comment: The p.P108S variant (also known as c.322C>T), located in coding exon 1 of the NRXN1 gene, results from a C to T substitution at nucleotide position 322. The proline at codon 108 is replaced by serine, an amino acid with similar properties. This amino acid position is not well conserved in available vertebrate species. In addition, this alteration is predicted to be tolerated by in silico analysis. Since supporting evidence is limited at this time, the clinical significance of this alteration remains unclear.

Eurofins Ntd Llc (ga)
Classification: Uncertain significance. Last evaluated: 2017-10-27. Review status: criteria provided, single submitter. Criteria: EGL Classification Definitions 2015. Collection method: clinical testing. Allele origin: germline. Observed: 4 variant alleles, 4 heterozygotes.

Fulgent Genetics
Classification: Uncertain significance for Pitt-Hopkins-like syndrome 2; Chromosome 2p16.3 deletion syndrome. Last evaluated: 2017-05-23. Review status: criteria provided, single submitter. Criteria: ACMG Guidelines, 2015. Collection method: clinical testing. Allele origin: unknown.

Illumina Laboratory Services, Illumina
Classification: Uncertain significance for Pitt-Hopkins-like syndrome 2. Last evaluated: 2017-04-27. Review status: criteria provided, single submitter. Criteria: ICSL Variant Classification Criteria 13 December 2019. Collection method: clinical testing. Allele origin: germline.

PreventionGenetics, part of Exact Sciences
Classification: Likely benign for NRXN1-related condition. Last evaluated: 2023-07-06. Review status: no assertion criteria provided. Collection method: clinical testing. Allele origin: germline. Not counted in ClinVar's aggregate classification.
Comment: This variant is classified as likely benign based on ACMG/AMP sequence variant interpretation guidelines (Richards et al. 2015 PMID: 25741868, with internal and published modifications).

Centre de Biologie Pathologie Génétique, Centre Hospitalier Universitaire de Lille
Classification: Likely benign for Intellectual disability. Last evaluated: 2019-01-01. Review status: no assertion criteria provided. Collection method: clinical testing. Allele origin: inherited. Affected: yes. Not counted in ClinVar's aggregate classification.